The following is an entry in ClinVar:

ClinVar aggregate classification (germline): Pathogenic. Review status: criteria provided, single submitter (1 of 4 stars). 2 submissions from 2 submitters: Pathogenic (1). 1 of the submissions does not count toward it. Last evaluated 2023-02-02.

Conditions:
Steel syndrome (STLS). Identifiers: Orphanet 438117, MedGen C3554594, MONDO:0014061, OMIM 615155.

Allele frequency attached by ClinVar (database versions not stated): gnomAD 0.00001; 1000 Genomes Project 30x 0.00016.
gnomAD v4.1: 3 of 1,562,116 alleles (0.00019%); highest among the groups gnomAD compares: Admixed American, 0.0019%; no homozygotes.

Submissions (3):

Labcorp Genetics (formerly Invitae), Labcorp
Classification: Pathogenic. Last evaluated: 2023-02-02. Review status: criteria provided, single submitter. Criteria: Invitae Variant Classification Sherloc (09022015). Collection method: clinical testing. Allele origin: germline.
Comment: This sequence change creates a premature translational stop signal (p.Arg1507*) in the COL27A1 gene. It is expected to result in an absent or disrupted protein product. Loss-of-function variants in COL27A1 are known to be pathogenic (PMID: 24986830, 28276056). The frequency data for this variant in the population databases is considered unreliable, as metrics indicate poor data quality at this position in the gnomAD database. This variant has not been reported in the literature in individuals affected with COL27A1-related conditions. ClinVar contains an entry for this variant (Variation ID: 1027381). For these reasons, this variant has been classified as Pathogenic.

Institute of Medical Genetics, Medical University of Vienna
Classification: Pathogenic for Steel syndrome. Last evaluated: 2021-03-10. Review status: no assertion criteria provided. Collection method: clinical testing. Allele origin: germline. Affected: yes. Not counted in ClinVar's aggregate classification.

Dr. Peter K. Rogan Lab, Western University
No classification provided (evidence only). Condition: Thyroid cancer, nonmedullary, 1. Review status: no classification provided. Collection method: in vitro. Allele origin: not applicable. Functional consequence: retained intron. Not counted in ClinVar's aggregate classification.

Literature cited by the submitters: PubMed 24986830 (cited by Labcorp Genetics (formerly Invitae), Labcorp); PubMed 28276056 (cited by Labcorp Genetics (formerly Invitae), Labcorp).

NM_032888.4(COL27A1):c.4519C>T (p.Arg1507Ter)

Gene: COL27A1 (collagen type XXVII alpha 1 chain; plus strand). Cytogenetic location: 9q32.
Variant type: single nucleotide variant.
Coding change: c.4519C>T on transcript NM_032888.4 (MANE Select); coding-DNA position 4519, C replaced by T.
Protein change: p.Arg1507Ter; replaces arginine 1507 with a stop codon.
Molecular consequence: nonsense.
Genome position (GRCh38, 1-based): chr9:114,292,145, C>T. VCF-style: chr9-114292145-C-T. GRCh37 (hg19) VCF-style: chr9-117054425-C-T.
Other names: short protein forms R1507*.
Identifiers: ClinVar variation 1027381 (VCV001027381.5), dbSNP rs1289391715, ClinGen allele CA374590184.
Genomic context (GRCh38, chr9:114,292,145, plus strand): 5'-TTTGTGTGTTTCTTTAAGGGTGAGAGTGGGTTACCCGGACAGCTGGGTCCCCCTGGCAAG[C>T]GAGGAACAGAGGGCAGAACGGGGCTCCCTGGAAACCAGGGGGAGCCTGGGTCCAAAGGCC-3'